The following is an entry in ClinVar:

ClinVar aggregate classification (germline): Likely benign (1 of 4 stars; one submission).

Allele frequency attached by ClinVar (database versions not stated): gnomAD exomes below 0.00001; gnomAD 0.00001 and 0.00003; TOPMed 0.00002.
gnomAD v4.1: 4 of 1,613,982 alleles (0.00025%); highest among the groups gnomAD compares: Non-Finnish European, 0.00034%; no homozygotes.

Submission:

GeneDx
Classification: Likely benign. Last evaluated: 2017-07-07. Review status: criteria provided, single submitter. Criteria: GeneDx Variant Classification (06012015). Collection method: clinical testing. Allele origin: germline. Affected: yes.
Comment: This variant is considered likely benign or benign based on one or more of the following criteria: it is a conservative change, it occurs at a poorly conserved position in the protein, it is predicted to be benign by multiple in silico algorithms, and/or has population frequency not consistent with disease.

NM_001243177.4(ALDOA):c.787-15C>G

Genes: ALDOA (aldolase, fructose-bisphosphate A; plus strand), LOC112694756 (uncharaterized LOC112694756; plus strand). Cytogenetic location: 16p11.2.
Variant type: single nucleotide variant.
Coding change: c.787-15C>G on transcript NM_001243177.4 (MANE Select); 15 bases into the intron before coding-DNA position 787, C replaced by G.
Molecular consequence: intron variant.
Genome position (GRCh38, 1-based): chr16:30,069,484, C>G. VCF-style: chr16-30069484-C-G. GRCh37 (hg19) VCF-style: chr16-30080805-C-G.
Other names: c.*1134-15C>G (NM_001365307.2, NM_001365305.2, NM_001365304.2); c.625-15C>G (NM_184043.2, NM_001127617.2, NM_184041.5).
Identifiers: ClinVar variation 510589 (VCV000510589.2), dbSNP rs920112127, ClinGen allele CA280410877.
Genomic context (GRCh38, chr16:30,069,484, plus strand): 5'-CTGGCCGGGGACCCTGGGGCTAACCCCTATCCTCTCCTCCACCCCACTACCCACCGTGCG[C>G]CTGCTCTGCTCCAGGTGCTGGCTGCTGTCTACAAGGCTCTGAGTGACCACCACATCTACC-3'